The following is an entry in ClinVar:

ClinVar aggregate classification (germline): Uncertain significance (1 of 4 stars; one submission).

Conditions:
Ehlers-Danlos syndrome, type 4 (EDSVASC). Also called: Ehlers-Danlos syndrome vascular type; Ehlers Danlos syndrome, ecchymotic type; Ehlers Danlos syndrome, arterial type; Ehlers Danlos syndrome, Sack-Barabas type; Ehlers-Danlos Syndrome Type IV. Identifiers: Orphanet 286, MedGen C0268338, MONDO:0017314, OMIM 130050.

Allele frequency attached by ClinVar (database versions not stated): gnomAD exomes below 0.00001 and 0.00001; ExAC 0.00004.
gnomAD v4.1: 1 of 1,566,618 alleles (0.000064%); highest among the groups gnomAD compares: Non-Finnish European, 0.000087%; no homozygotes.

Submission:

Labcorp Genetics (formerly Invitae), Labcorp
Classification: Uncertain significance for Ehlers-Danlos syndrome, type 4. Last evaluated: 2022-06-27. Review status: criteria provided, single submitter. Criteria: Invitae Variant Classification Sherloc (09022015). Collection method: clinical testing. Allele origin: germline.
Comment: This sequence change replaces arginine, which is basic and polar, with lysine, which is basic and polar, at codon 368 of the COL3A1 protein (p.Arg368Lys). This variant is present in population databases (rs781216305, gnomAD 0.001%). This variant has not been reported in the literature in individuals affected with COL3A1-related conditions. Advanced modeling of protein sequence and biophysical properties (such as structural, functional, and spatial information, amino acid conservation, physicochemical variation, residue mobility, and thermodynamic stability) performed at Invitae indicates that this missense variant is not expected to disrupt COL3A1 protein function. In summary, the available evidence is currently insufficient to determine the role of this variant in disease. Therefore, it has been classified as a Variant of Uncertain Significance.

NM_000090.4(COL3A1):c.1103G>A (p.Arg368Lys)

Gene: COL3A1 (collagen type III alpha 1 chain; plus strand). Cytogenetic location: 2q32.2.
Variant type: single nucleotide variant.
Coding change: c.1103G>A on transcript NM_000090.4 (MANE Select); coding-DNA position 1103, G replaced by A.
Protein change: p.Arg368Lys; replaces arginine 368 with lysine.
Molecular consequence: missense variant.
Genome position (GRCh38, 1-based): chr2:188,993,413, G>A. VCF-style: chr2-188993413-G-A. GRCh37 (hg19) VCF-style: chr2-189858139-G-A.
Other names: short protein forms R368K.
Identifiers: ClinVar variation 1359227 (VCV001359227.6), dbSNP rs781216305, ClinGen allele CA073798.